The following is an entry in ClinVar:

NM_006424.3(SLC34A2):c.1834G>A (p.Gly612Ser)

Gene: SLC34A2 (solute carrier family 34 member 2; plus strand). Cytogenetic location: 4p15.2.
Variant type: single nucleotide variant.
Coding change: c.1834G>A on transcript NM_006424.3 (MANE Select); coding-DNA position 1834, G replaced by A.
Protein change: p.Gly612Ser; replaces glycine 612 with serine.
Molecular consequence: missense variant.
Genome position (GRCh38, 1-based): chr4:25,676,510, G>A. VCF-style: chr4-25676510-G-A. GRCh37 (hg19) VCF-style: chr4-25678132-G-A.
Other names: c.1831G>A, p.Gly611Ser (NM_001177998.2, NM_001177999.2); short protein forms G611S, G612S.
Identifiers: ClinVar variation 4977106 (VCV004977106.1).

ClinVar aggregate classification (germline): Uncertain significance (1 of 4 stars; one submission).

Conditions:
SLC34A2-related disorder. Also called: SLC34A2-related condition.

gnomAD v4.1: 11 of 1,614,100 alleles (0.00068%); highest among the groups gnomAD compares: Middle Eastern, 0.016%; no homozygotes.

Submission:

PreventionGenetics, part of Exact Sciences
Classification: Uncertain significance for SLC34A2-related condition. Last evaluated: 2024-12-18. Review status: criteria provided, single submitter. Criteria: ACMG Guidelines, 2015. Collection method: clinical testing. Allele origin: germline.
Comment: The SLC34A2 c.1834G>A variant is predicted to result in the amino acid substitution p.Gly612Ser. To our knowledge, this variant has not been reported in the literature. This variant is reported in 0.0054% of alleles in individuals of East Asian descent in gnomAD. At this time, the clinical significance of this variant is uncertain due to the absence of conclusive functional and genetic evidence.